The following is an entry in ClinVar:

ClinVar aggregate classification (germline): Benign/Likely benign. Review status: criteria provided, multiple submitters, no conflicts (2 of 4 stars). 4 submissions from 4 submitters: Benign (3); Likely benign (1). Last evaluated 2026-02-02.

Conditions:
Landau-Kleffner syndrome (FESD). Also called: EPILEPSY, FOCAL, WITH SPEECH DISORDER AND WITH OR WITHOUT MENTAL RETARDATION; APHASIA, ACQUIRED, WITH EPILEPSY. Identifiers: Orphanet 1945, Orphanet 725, Orphanet 98818, MedGen C0282512, MONDO:0009509, OMIM 245570.

Allele frequency attached by ClinVar (database versions not stated): 1000 Genomes Project 0.00080; gnomAD 0.00106 and 0.00114; 1000 Genomes Project 30x 0.00109; TOPMed 0.00125; ESP Exome Variant Server 0.00177.
gnomAD v4.1: 294 of 1,563,560 alleles (0.019%); highest among the groups gnomAD compares: African/African-American, 0.35%; 2 homozygotes.

Submissions (4):

Labcorp Genetics (formerly Invitae), Labcorp
Classification: Benign for Landau-Kleffner syndrome. Last evaluated: 2026-02-02. Review status: criteria provided, single submitter. Criteria: Invitae Variant Classification Sherloc (09022015). Collection method: clinical testing. Allele origin: germline.

Blueprint Genetics
Classification: Likely benign. Last evaluated: 2024-02-23. Review status: criteria provided, single submitter. Criteria: ACMG Guidelines, 2015. Collection method: clinical testing. Allele origin: germline.

GeneDx
Classification: Benign. Last evaluated: 2014-07-21. Review status: criteria provided, single submitter. Criteria: GeneDx Variant Classification (06012015). Collection method: clinical testing. Allele origin: germline. Affected: yes.
Comment: This variant is considered likely benign or benign based on one or more of the following criteria: it is a conservative change, it occurs at a poorly conserved position in the protein, it is predicted to be benign by multiple in silico algorithms, and/or has population frequency not consistent with disease.

Breakthrough Genomics
Classification: Benign. Review status: criteria provided, single submitter. Criteria: ACMG Guidelines, 2015. Collection method: not provided. Allele origin: germline. Inheritance: Autosomal dominant inheritance. Affected: yes.

NM_001134407.3(GRIN2A):c.2007+15C>T

Gene: GRIN2A (glutamate ionotropic receptor NMDA type subunit 2A; minus strand). Cytogenetic location: 16p13.2.
Variant type: single nucleotide variant.
Coding change: c.2007+15C>T on transcript NM_001134407.3 (MANE Select); 15 bases into the intron after coding-DNA position 2007, C replaced by T.
Molecular consequence: intron variant.
Genome position (GRCh38, 1-based): chr16:9,829,408, G>A on the plus strand (C>T on the coding strand, the complement: GRIN2A is on the minus strand). VCF-style: chr16-9829408-G-A. GRCh37 (hg19) VCF-style: chr16-9923265-G-A.
Other names: c.2007+15C>T (NM_001134408.2, NM_000833.5).
Identifiers: ClinVar variation 205641 (VCV000205641.11), dbSNP rs76627672, ClinGen allele CA314920.